The following is an entry in ClinVar:

ClinVar aggregate classification (germline): Benign (1 of 4 stars; one submission).

Allele frequency attached by ClinVar (database versions not stated): TOPMed 0.10997; 1000 Genomes Project 30x 0.11102; 1000 Genomes Project 0.11601; gnomAD 0.12578 and 0.12964.
gnomAD v4.1: 19,790 of 152,202 alleles (13%); highest among the groups gnomAD compares: South Asian, 28%; 1,808 homozygotes.

Submission:

GeneDx
Classification: Benign. Last evaluated: 2018-06-14. Review status: criteria provided, single submitter. Criteria: GeneDx Variant Classification (06012015). Collection method: clinical testing. Allele origin: germline. Affected: yes.
Comment: This variant is considered likely benign or benign based on one or more of the following criteria: it is a conservative change, it occurs at a poorly conserved position in the protein, it is predicted to be benign by multiple in silico algorithms, and/or has population frequency not consistent with disease.

NM_006073.4(TRDN):c.854-237A>G

Genes: TRDN (triadin; minus strand), TRDN-AS1 (TRDN antisense RNA 1; plus strand). Cytogenetic location: 6q22.31.
Variant type: single nucleotide variant.
Coding change: c.854-237A>G on transcript NM_006073.4 (MANE Select); 237 bases into the intron before coding-DNA position 854, A replaced by G.
Molecular consequence: intron variant.
Genome position (GRCh38, 1-based): chr6:123,465,220, T>C on the plus strand (A>G on the coding strand, the complement: TRDN is on the minus strand). VCF-style: chr6-123465220-T-C. GRCh37 (hg19) VCF-style: chr6-123786365-T-C.
Other names: c.854-237A>G (NM_001251987.2); c.794-237A>G (NM_001256020.2).
Identifiers: ClinVar variation 678624 (VCV000678624.1), dbSNP rs10499123, ClinGen allele CA12376974.